The following is an entry in ClinVar:

ClinVar aggregate classification (germline): Uncertain significance. Review status: criteria provided, multiple submitters, no conflicts (2 of 4 stars). 2 submissions from 2 submitters: Uncertain significance (2). Last evaluated 2025-10-09.

Conditions:
Emery-Dreifuss muscular dystrophy 5, autosomal dominant (EDMD5). Also called: EMERY-DREIFUSS MUSCULAR DYSTROPHY 5. Identifiers: Orphanet 261, MedGen C2751805, MONDO:0013072, OMIM 612999.

gnomAD v4.1: 18 of 1,613,950 alleles (0.0011%); highest among the groups gnomAD compares: Middle Eastern, 0.033%; no homozygotes.

Submissions (2):

Women's Health and Genetics/Laboratory Corporation of America, LabCorp
Classification: Uncertain significance. Last evaluated: 2025-10-09. Review status: criteria provided, single submitter. Criteria: LabCorp Variant Classification Summary - May 2015. Collection method: clinical testing. Allele origin: germline.
Comment: Variant summary: SYNE2 c.17900G>T (p.Ser5967Ile) results in a non-conservative amino acid change in the encoded protein sequence. Algorithms developed to predict the effect of missense changes on protein structure and function are either unavailable or do not agree on the potential impact of this missense change. The variant allele was found at a frequency of 1.2e-05 in 251464 control chromosomes. The available data on variant occurrences in the general population are insufficient to allow any conclusion about variant significance. To our knowledge, no occurrence of c.17900G>T in individuals affected with SYNE2-related conditions and no experimental evidence demonstrating its impact on protein function have been reported. No submitters have cited clinical-significance assessments for this variant to ClinVar. Based on the evidence outlined above, the variant was classified as uncertain significance.

Labcorp Genetics (formerly Invitae), Labcorp
Classification: Uncertain significance for Emery-Dreifuss muscular dystrophy 5, autosomal dominant. Last evaluated: 2025-10-03. Review status: criteria provided, single submitter. Criteria: Invitae Variant Classification Sherloc (09022015). Collection method: clinical testing. Allele origin: germline.
Comment: This sequence change replaces serine, which is neutral and polar, with isoleucine, which is neutral and non-polar, at codon 5967 of the SYNE2 protein (p.Ser5967Ile). This variant is present in population databases (rs139996424, gnomAD 0.01%). This variant has not been reported in the literature in individuals affected with SYNE2-related conditions. An algorithm developed to predict the effect of missense changes on protein structure and function (PolyPhen-2) suggests that this variant is likely to be disruptive. In summary, the available evidence is currently insufficient to determine the role of this variant in disease. Therefore, it has been classified as a Variant of Uncertain Significance.

NM_182914.3(SYNE2):c.17900G>T (p.Ser5967Ile)

Gene: SYNE2 (spectrin repeat containing nuclear envelope protein 2; plus strand). Cytogenetic location: 14q23.2.
Variant type: single nucleotide variant.
Coding change: c.17900G>T on transcript NM_182914.3 (MANE Select); coding-DNA position 17900, G replaced by T.
Protein change: p.Ser5967Ile; replaces serine 5967 with isoleucine.
Molecular consequence: missense variant.
Genome position (GRCh38, 1-based): chr14:64,190,099, G>T. VCF-style: chr14-64190099-G-T. GRCh37 (hg19) VCF-style: chr14-64656817-G-T.
Other names: c.17900G>T, p.Ser5967Ile (NM_015180.6); short protein forms S5967I.
Identifiers: ClinVar variation 4687395 (VCV004687395.2).